The following is an entry in ClinVar:

ClinVar aggregate classification (germline): Uncertain significance (1 of 4 stars; one submission).

Submission:

Labcorp Genetics (formerly Invitae), Labcorp
Classification: Uncertain significance. Last evaluated: 2022-05-04. Review status: criteria provided, single submitter. Criteria: Invitae Variant Classification Sherloc (09022015). Collection method: clinical testing. Allele origin: germline.
Comment: Algorithms developed to predict the effect of sequence changes on RNA splicing suggest that this variant may create or strengthen a splice site. This variant has not been reported in the literature in individuals affected with COLGALT1-related conditions. This variant is not present in population databases (gnomAD no frequency). This sequence change falls in intron 3 of the COLGALT1 gene. It does not directly change the encoded amino acid sequence of the COLGALT1 protein. In summary, the available evidence is currently insufficient to determine the role of this variant in disease. Therefore, it has been classified as a Variant of Uncertain Significance.

NM_024656.4(COLGALT1):c.490-14G>A

Gene: COLGALT1 (collagen beta(1-O)galactosyltransferase 1; plus strand). Cytogenetic location: 19p13.11.
Variant type: single nucleotide variant.
Coding change: c.490-14G>A on transcript NM_024656.4 (MANE Select); 14 bases into the intron before coding-DNA position 490, G replaced by A.
Molecular consequence: intron variant.
Genome position (GRCh38, 1-based): chr19:17,567,392, G>A. VCF-style: chr19-17567392-G-A. GRCh37 (hg19) VCF-style: chr19-17678201-G-A.
Identifiers: ClinVar variation 2100633 (VCV002100633.4), dbSNP rs2076285636, ClinGen allele CA2576714340.